The following is an entry in ClinVar:

ClinVar aggregate classification (germline): Uncertain significance (1 of 4 stars; one submission).

Submission:

Ambry Genetics
Classification: Uncertain significance. Last evaluated: 2025-11-08. Review status: criteria provided, single submitter. Criteria: Ambry Variant Classification Scheme 2023. Collection method: clinical testing. Allele origin: germline.
Comment: The p.P570R variant (also known as c.1709C>G), located in coding exon 7 of the WNK2 gene, results from a C to G substitution at nucleotide position 1709. The proline at codon 570 is replaced by arginine, an amino acid with dissimilar properties. This amino acid position is conserved. In addition, this alteration is predicted to be tolerated by in silico analysis. Based on the available evidence, the clinical significance of this variant remains unclear.

NM_006648.4(WNK2):c.1709C>G (p.Pro570Arg)

Gene: WNK2 (WNK lysine deficient protein kinase 2; plus strand). Cytogenetic location: 9q22.31.
Variant type: single nucleotide variant.
Coding change: c.1709C>G on transcript NM_006648.4 (MANE Select); coding-DNA position 1709, C replaced by G.
Protein change: p.Pro570Arg; replaces proline 570 with arginine.
Molecular consequence: missense variant.
Genome position (GRCh38, 1-based): chr9:93,247,709, C>G. VCF-style: chr9-93247709-C-G. GRCh37 (hg19) VCF-style: chr9-96009991-C-G.
Other names: c.1709C>G, p.Pro570Arg (NM_001282394.3); short protein forms P570R.
Identifiers: ClinVar variation 4605345 (VCV004605345.1).
Genomic context (GRCh38, chr9:93,247,709, plus strand): 5'-TGCAGCCCAAGGAGCAGCAGGATGTGGGCAGCCCGGACAAGGCCAGGGGTCCGCCGGTGC[C>G]CCTGCAGGTCCAGGTGACCTACCATGCACAGGCTGGGCAGCCCGGGCCACCAGAGCCCGA-3'
Protein context (NP_006639.3, residues 560-580): SPDKARGPPV[Pro570Arg]LQVQVTYHAQ